The following is an entry in ClinVar:

ClinVar aggregate classification (germline): Uncertain significance (1 of 4 stars; one submission).

Allele frequency attached by ClinVar (database versions not stated): gnomAD exomes below 0.00001; gnomAD 0.00001; TOPMed 0.00001.
gnomAD v4.1: 6 of 1,607,124 alleles (0.00037%); highest among the groups gnomAD compares: Non-Finnish European, 0.00051%; no homozygotes.

Submission:

Labcorp Genetics (formerly Invitae), Labcorp
Classification: Uncertain significance. Last evaluated: 2022-05-25. Review status: criteria provided, single submitter. Criteria: Invitae Variant Classification Sherloc (09022015). Collection method: clinical testing. Allele origin: germline.
Comment: This sequence change replaces phenylalanine, which is neutral and non-polar, with valine, which is neutral and non-polar, at codon 116 of the PLK4 protein (p.Phe116Val). This variant is present in population databases (no rsID available, gnomAD 0.007%). This variant has not been reported in the literature in individuals affected with PLK4-related conditions. ClinVar contains an entry for this variant (Variation ID: 934596). Algorithms developed to predict the effect of missense changes on protein structure and function are either unavailable or do not agree on the potential impact of this missense change (SIFT: "Tolerated"; PolyPhen-2: "Probably Damaging"; Align-GVGD: "Class C0"). In summary, the available evidence is currently insufficient to determine the role of this variant in disease. Therefore, it has been classified as a Variant of Uncertain Significance.

NM_014264.5(PLK4):c.346T>G (p.Phe116Val)

Gene: PLK4 (polo like kinase 4; plus strand). Cytogenetic location: 4q28.1.
Variant type: single nucleotide variant.
Coding change: c.346T>G on transcript NM_014264.5 (MANE Select); coding-DNA position 346, T replaced by G.
Protein change: p.Phe116Val; replaces phenylalanine 116 with valine.
Molecular consequence: missense variant.
Genome position (GRCh38, 1-based): chr4:127,885,716, T>G. VCF-style: chr4-127885716-T-G. GRCh37 (hg19) VCF-style: chr4-128806871-T-G.
Other names: c.250T>G, p.Phe84Val (NM_001190799.2); c.223T>G, p.Phe75Val (NM_001190801.2); short protein forms F116V, F75V, F84V.
Identifiers: ClinVar variation 934596 (VCV000934596.4), dbSNP rs921026269, ClinGen allele CA105689369.